The following is an entry in ClinVar:

ClinVar aggregate classification (germline): Uncertain significance (1 of 4 stars; one submission).

gnomAD v4.1: 2 of 1,613,152 alleles (0.00012%); highest among the groups gnomAD compares: Non-Finnish European, 0.00017%; no homozygotes.

Submission:

GeneDx
Classification: Uncertain significance. Last evaluated: 2026-08-18. Review status: criteria provided, single submitter. Criteria: GeneDx Variant Classification Process June 2021. Collection method: clinical testing. Allele origin: germline.
Comment: Not observed at significant frequency in large population cohorts (gnomAD); In silico analysis supports that this missense variant has a deleterious effect on protein structure/function; Has not been previously published as pathogenic or benign to our knowledge

NM_001374828.1(ARID1B):c.2861G>A (p.Gly954Glu)

Gene: ARID1B (AT-rich interaction domain 1B; plus strand). Cytogenetic location: 6q25.3.
Variant type: single nucleotide variant.
Coding change: c.2861G>A on transcript NM_001374828.1 (MANE Select); coding-DNA position 2861, G replaced by A.
Protein change: p.Gly954Glu; replaces glycine 954 with glutamic acid.
Molecular consequence: missense variant.
Genome position (GRCh38, 1-based): chr6:157,148,723, G>A. VCF-style: chr6-157148723-G-A. GRCh37 (hg19) VCF-style: chr6-157469857-G-A.
Other names: c.362G>A, p.Gly121Glu (NM_001363725.2); c.2900G>A, p.Gly967Glu (NM_001371656.1, NM_001374820.1); c.2861G>A, p.Gly954Glu (NM_017519.3); c.2651G>A (NM_020732.3); short protein forms G121E, G954E, G967E.
Identifiers: ClinVar variation 3901743 (VCV003901743.2).
Genomic context (GRCh38, chr6:157,148,723, plus strand): 5'-GTGCAAGCTACAGCGGCCCAGGGCCCGGTATGGGTATCAGTGCCAACAACCAGATGCATG[G>A]ACAAGGGCCAAGCCAGCCATGTGGTGCTGTGCCCCTGGGACGAATGCCATCAGCTGGGAT-3'
Protein context (NP_001361757.1, residues 944-964): MGISANNQMH[Gly954Glu]QGPSQPCGAV